The following is an entry in ClinVar:

NM_016239.4(MYO15A):c.3240del (p.Trp1081fs)

Gene: MYO15A (myosin XVA; plus strand). Cytogenetic location: 17p11.2.
Variant type: Deletion.
Coding change: c.3240del on transcript NM_016239.4 (MANE Select); coding-DNA position 3240, one base deleted (C; older notation c.3240delC).
Protein change: p.Trp1081fs; shifts the reading frame from tryptophan 1081.
Molecular consequence: frameshift variant.
Genome position (GRCh38, 1-based): chr17:18,122,040, C deleted. VCF-style (leftmost placement, unchanged base first): chr17-18122039-GC-G. GRCh37 (hg19) VCF-style: chr17-18025353-GC-G.
Other names: short protein forms W1081fs.
Identifiers: ClinVar variation 2862245 (VCV002862245.3), dbSNP rs2545192559, ClinGen allele CA2739267200.
Genomic context (GRCh38, chr17:18,122,039, plus strand): 5'-GCCTCTCATACCCACTGGCTGCGTGTGACCAGACCAGGGCCACATGGCCACCATGGCACC[GC>G]TGGGGAACACTGCCCCAAGCCGCAGCCCCCTTGGCGCCCATCAGGGCCCCAGAGCCCCTG-3'

ClinVar aggregate classification (germline): Pathogenic (1 of 4 stars; one submission).

Submission:

Labcorp Genetics (formerly Invitae), Labcorp
Classification: Pathogenic. Last evaluated: 2023-05-05. Review status: criteria provided, single submitter. Criteria: Invitae Variant Classification Sherloc (09022015). Collection method: clinical testing. Allele origin: germline.
Comment: For these reasons, this variant has been classified as Pathogenic. This variant has not been reported in the literature in individuals affected with MYO15A-related conditions. This variant is not present in population databases (gnomAD no frequency). This sequence change creates a premature translational stop signal (p.Trp1081Glyfs*44) in the MYO15A gene. It is expected to result in an absent or disrupted protein product. Loss-of-function variants in MYO15A are known to be pathogenic (PMID: 17546645).

Literature cited by the submitters: PubMed 17546645.